The following is an entry in ClinVar:

ClinVar aggregate classification (germline): Uncertain significance (1 of 4 stars; one submission).

Conditions:
Hereditary cancer-predisposing syndrome. Also called: Tumor predisposition; Neoplastic Syndromes, Hereditary; Hereditary Cancer Syndrome; Hereditary neoplastic syndrome. Identifiers: Orphanet 140162, MedGen C0027672, MeSH D009386, MONDO:0015356.

Submission:

Ambry Genetics
Classification: Uncertain significance for Hereditary cancer-predisposing syndrome. Last evaluated: 2025-08-25. Review status: criteria provided, single submitter. Criteria: Ambry Variant Classification Scheme 2023. Collection method: clinical testing. Allele origin: germline.
Comment: The p.L377F variant (also known as c.1131G>C), located in coding exon 10 of the NBN gene, results from a G to C substitution at nucleotide position 1131. The leucine at codon 377 is replaced by phenylalanine, an amino acid with highly similar properties. This amino acid position is not well conserved in available vertebrate species. In addition, this alteration is predicted to be tolerated by in silico analysis. Since supporting evidence is limited at this time, the clinical significance of this alteration remains unclear.

NM_002485.5(NBN):c.1131G>C (p.Leu377Phe)

Gene: NBN (nibrin; minus strand). Cytogenetic location: 8q21.3.
Variant type: single nucleotide variant.
Coding change: c.1131G>C on transcript NM_002485.5 (MANE Select); coding-DNA position 1131, G replaced by C.
Protein change: p.Leu377Phe; replaces leucine 377 with phenylalanine.
Molecular consequence: missense variant.
Genome position (GRCh38, 1-based): chr8:89,955,549, C>G on the plus strand (G>C on the coding strand, the complement: NBN is on the minus strand). VCF-style: chr8-89955549-C-G. GRCh37 (hg19) VCF-style: chr8-90967777-C-G.
Other names: c.885G>C, p.Leu295Phe (NM_001024688.3); short protein forms L295F, L377F.
Identifiers: ClinVar variation 1728589 (VCV001728589.3), dbSNP rs2488245866, ClinGen allele CA371656530.